The following is an entry in ClinVar:

ClinVar aggregate classification (germline): Uncertain significance (1 of 4 stars; one submission).

Conditions:
Early Myoclonic Encephalopathy. Identifiers: MedGen C0270855.

Allele frequency attached by ClinVar (database versions not stated): gnomAD exomes below 0.00001.

Submission:

Labcorp Genetics (formerly Invitae), Labcorp
Classification: Uncertain significance for Early Myoclonic Encephalopathy. Last evaluated: 2023-10-07. Review status: criteria provided, single submitter. Criteria: Invitae Variant Classification Sherloc (09022015). Collection method: clinical testing. Allele origin: germline.
Comment: This sequence change replaces arginine, which is basic and polar, with cysteine, which is neutral and slightly polar, at codon 87 of the KCND2 protein (p.Arg87Cys). This variant is not present in population databases (gnomAD no frequency). This variant has not been reported in the literature in individuals affected with KCND2-related conditions. Advanced modeling of protein sequence and biophysical properties (such as structural, functional, and spatial information, amino acid conservation, physicochemical variation, residue mobility, and thermodynamic stability) has been performed at Invitae for this missense variant, however the output from this modeling did not meet the statistical confidence thresholds required to predict the impact of this variant on KCND2 protein function. In summary, the available evidence is currently insufficient to determine the role of this variant in disease. Therefore, it has been classified as a Variant of Uncertain Significance.

NM_012281.3(KCND2):c.259C>T (p.Arg87Cys)

Gene: KCND2 (potassium voltage-gated channel subfamily D member 2; plus strand). Cytogenetic location: 7q31.31.
Variant type: single nucleotide variant.
Coding change: c.259C>T on transcript NM_012281.3 (MANE Select); coding-DNA position 259, C replaced by T.
Protein change: p.Arg87Cys; replaces arginine 87 with cysteine.
Molecular consequence: missense variant.
Genome position (GRCh38, 1-based): chr7:120,274,891, C>T. VCF-style: chr7-120274891-C-T. GRCh37 (hg19) VCF-style: chr7-119914945-C-T.
Other names: short protein forms R87C.
Identifiers: ClinVar variation 2977203 (VCV002977203.3), dbSNP rs776408046, ClinGen allele CA165779042.
Genomic context (GRCh38, chr7:120,274,891, plus strand): 5'-CTGGGCAGTTCTGAGAGGGACTTTTTCTACCACCCAGAAACTCAGCAGTATTTCTTTGAC[C>T]GTGACCCAGACATCTTCCGCCACATCCTGAATTTCTACCGCACTGGGAAGCTCCACTATC-3'
Protein context (NP_036413.1, residues 77-97): HPETQQYFFD[Arg87Cys]DPDIFRHILN